The following is an entry in ClinVar:

ClinVar aggregate classification (germline): Uncertain significance (1 of 4 stars; one submission).

Conditions:
Cardiovascular phenotype. Identifiers: MedGen CN230736.

Submission:

Ambry Genetics
Classification: Uncertain significance for Cardiovascular phenotype. Last evaluated: 2020-05-08. Review status: criteria provided, single submitter. Criteria: Ambry Variant Classification Scheme 2023. Collection method: clinical testing. Allele origin: germline.
Comment: The p.V21806M variant (also known as c.65416G>A), located in coding exon 166 of the TTN gene, results from a G to A substitution at nucleotide position 65416. The valine at codon 21806 is replaced by methionine, an amino acid with highly similar properties. This amino acid position is highly conserved in available vertebrate species. In addition, this alteration is predicted to be tolerated by in silico analysis. Since supporting evidence is limited at this time, the clinical significance of this alteration remains unclear.

NM_001267550.2(TTN):c.92611G>A (p.Val30871Met)

Genes: TTN (titin; minus strand), TTN-AS1 (TTN antisense RNA 1; plus strand). Cytogenetic location: 2q31.2.
Variant type: single nucleotide variant.
Coding change: c.92611G>A on transcript NM_001267550.2 (MANE Select); coding-DNA position 92611, G replaced by A.
Protein change: p.Val30871Met; replaces valine 30871 with methionine.
Molecular consequence: missense variant.
Genome position (GRCh38, 1-based): chr2:178,549,015, C>T on the plus strand (G>A on the coding strand, the complement: TTN is on the minus strand). VCF-style: chr2-178549015-C-T. GRCh37 (hg19) VCF-style: chr2-179413742-C-T.
Other names: c.87688G>A, p.Val29230Met (NM_001256850.1); c.65416G>A, p.Val21806Met (NM_003319.4); c.84907G>A, p.Val28303Met (NM_133378.4); c.65791G>A, p.Val21931Met (NM_133432.3); c.65992G>A, p.Val21998Met (NM_133437.4); short protein forms V21931M, V21998M, V28303M, V21806M, V29230M, V30871M.
Identifiers: ClinVar variation 1754116 (VCV001754116.2), dbSNP rs2469149635, ClinGen allele CA349492429.